The following is an entry in ClinVar:

ClinVar aggregate classification (germline): Uncertain significance (1 of 4 stars; one submission).

Conditions:
Hereditary sensory neuropathy-deafness-dementia syndrome. Also called: HSN IE; Hereditary Sensory and Autonomic Neuropathy Type 1E (HSAN1E); Hereditary sensory neuropathy type IE; NEUROPATHY, HEREDITARY SENSORY, WITH HEARING LOSS AND DEMENTIA. Identifiers: Orphanet 456318, MedGen C3279885, MONDO:0013584, OMIM 614116.

Submission:

Labcorp Genetics (formerly Invitae), Labcorp
Classification: Uncertain significance for Hereditary sensory neuropathy-deafness-dementia syndrome. Last evaluated: 2024-02-24. Review status: criteria provided, single submitter. Criteria: Invitae Variant Classification Sherloc (09022015). Collection method: clinical testing. Allele origin: germline.
Comment: This sequence change replaces isoleucine, which is neutral and non-polar, with valine, which is neutral and non-polar, at codon 18 of the DNMT1 protein (p.Ile18Val). This variant is not present in population databases (gnomAD no frequency). This variant has not been reported in the literature in individuals affected with DNMT1-related conditions. Algorithms developed to predict the effect of missense changes on protein structure and function output the following: SIFT: "Not Available"; PolyPhen-2: "Benign"; Align-GVGD: "Not Available". The valine amino acid residue is found in multiple mammalian species, which suggests that this missense change does not adversely affect protein function. In summary, the available evidence is currently insufficient to determine the role of this variant in disease. Therefore, it has been classified as a Variant of Uncertain Significance.

NM_001130823.3(DNMT1):c.52A>G (p.Ile18Val)

Genes: DNMT1 (DNA methyltransferase 1; minus strand), LOC130063472 (ATAC-STARR-seq lymphoblastoid silent region 10057; plus strand). Cytogenetic location: 19p13.2.
Variant type: single nucleotide variant.
Coding change: c.52A>G on transcript NM_001130823.3 (MANE Select); coding-DNA position 52, A replaced by G.
Protein change: p.Ile18Val; replaces isoleucine 18 with valine.
Molecular consequence: missense variant. On other transcripts: 5 prime UTR variant (1).
Genome position (GRCh38, 1-based): chr19:10,194,848, T>C on the plus strand (A>G on the coding strand, the complement: DNMT1 is on the minus strand). VCF-style: chr19-10194848-T-C. GRCh37 (hg19) VCF-style: chr19-10305524-T-C.
Other names: c.52A>G, p.Ile18Val (NM_001318730.2, NM_001379.4); c.-272A>G (NM_001318731.2); short protein forms I18V.
Identifiers: ClinVar variation 3707974 (VCV003707974.2).